The following is an entry in ClinVar:

NM_001042492.3(NF1):c.91C>G (p.His31Asp)

Gene: NF1 (neurofibromin 1; plus strand). Cytogenetic location: 17q11.2.
Variant type: single nucleotide variant.
Coding change: c.91C>G on transcript NM_001042492.3 (MANE Select); coding-DNA position 91, C replaced by G.
Protein change: p.His31Asp; replaces histidine 31 with aspartic acid.
Molecular consequence: missense variant.
Genome position (GRCh38, 1-based): chr17:31,156,013, C>G. VCF-style: chr17-31156013-C-G. GRCh37 (hg19) VCF-style: chr17-29483031-C-G.
Other names: c.91C>G, p.His31Asp (NM_000267.4, NM_001128147.3); short protein forms H31D.
Identifiers: ClinVar variation 844050 (VCV000844050.6), dbSNP rs786202864, ClinGen allele CA398988181.
Genomic context (GRCh38, chr17:31,156,013, plus strand): 5'-TAACGTGTTTTTTTTTTCTTTTTTTTTCAGCTTCCAATAAAAACAGGACAGCAGAACACA[C>G]ATACCAAAGTCAGTACTGAGCACAACAAGGAATGTCTAATCAATATTTCCAAATACAAGT-3'
Protein context (NP_001035957.1, residues 21-41): LPIKTGQQNT[His31Asp]TKVSTEHNKE

ClinVar aggregate classification (germline): Uncertain significance (1 of 4 stars; one submission).

Conditions:
Neurofibromatosis, type 1 (NF1). Also called: Peripheral type neurofibromatosis; VON RECKLINGHAUSEN DISEASE; Neurofibromatosis, type I; NEUROFIBROMATOSIS, TYPE I, SOMATIC. Identifiers: Orphanet 636, MedGen C0027831, MONDO:0018975, OMIM 162200. Disease mechanism: loss of function.

Submission:

Labcorp Genetics (formerly Invitae), Labcorp
Classification: Uncertain significance for Neurofibromatosis, type 1. Last evaluated: 2019-01-21. Review status: criteria provided, single submitter. Criteria: Invitae Variant Classification Sherloc (09022015). Collection method: clinical testing. Allele origin: germline.
Comment: This sequence change replaces histidine with aspartic acid at codon 31 of the NF1 protein (p.His31Asp). The histidine residue is highly conserved and there is a moderate physicochemical difference between histidine and aspartic acid. In summary, the available evidence is currently insufficient to determine the role of this variant in disease. Therefore, it has been classified as a Variant of Uncertain Significance. Algorithms developed to predict the effect of missense changes on protein structure and function are either unavailable or do not agree on the potential impact of this missense change (SIFT: "Tolerated"; PolyPhen-2: "Possibly Damaging"; Align-GVGD: "Class C0"). This variant has not been reported in the literature in individuals with NF1-related conditions. This variant is not present in population databases (ExAC no frequency).